The following is an entry in ClinVar:

ClinVar aggregate classification (germline): Uncertain significance (0 of 4 stars; one submission).

Conditions:
Prostate cancer. Also called: Malignant tumor of prostate. Identifiers: Orphanet 1331, MedGen C0376358, MONDO:0008315, HP:0012125.

Submission:

Science for Life laboratory,  Karolinska Institutet
Classification: Uncertain significance for Malignant tumor of prostate. Review status: no assertion criteria provided. Collection method: not provided. Allele origin: somatic.
Comment: TumorID:SWE-17
ClinVar note: Converted during submission from Unknown to Uncertain significance.

NM_003439.4(ZKSCAN1):c.1454G>A (p.Gly485Glu)

Gene: ZKSCAN1 (zinc finger with KRAB and SCAN domains 1; plus strand). Cytogenetic location: 7q22.1.
Variant type: single nucleotide variant.
Coding change: c.1454G>A on transcript NM_003439.4 (MANE Select); coding-DNA position 1454, G replaced by A.
Protein change: p.Gly485Glu; replaces glycine 485 with glutamic acid.
Molecular consequence: missense variant. On other transcripts: non-coding transcript variant (1), intron variant (1).
Genome position (GRCh38, 1-based): chr7:100,033,959, G>A. VCF-style: chr7-100033959-G-A. GRCh37 (hg19) VCF-style: chr7-99631582-G-A.
Other names: c.1346G>A, p.Gly449Glu (NM_001287054.3, NM_001346580.2); c.815G>A, p.Gly272Glu (NM_001287055.3); c.1454G>A, p.Gly485Glu (NM_001346581.2); c.799+3584G>A (NM_001346579.2); short protein forms G485E, G272E, G449E.
Identifiers: ClinVar variation 161615 (VCV000161615.2), dbSNP rs193920886, ClinGen allele CA174456.